The following is an entry in ClinVar:

ClinVar aggregate classification (germline): Likely pathogenic (0 of 4 stars; one submission).

Conditions:
Beta-thalassemia HBB/LCRB. Identifiers: MedGen CN322236, MONDO:0013517, OMIM 613985.

Submission:

Precision Medicine Lab Center, Yangjiang People's Hospital
Classification: Likely pathogenic for Beta-thalassemia HBB/LCRB. Last evaluated: 2023-01-01. Review status: no assertion criteria provided. Collection method: clinical testing. Allele origin: germline. Affected: yes.
Comment: Laboratory findings show mild anemia (Hb 134 g/L) with microcytic hypochromic indices (MCV 62.3 fL, MCH 21.2 pg), elevated HbA2 (5.3%), and slightly increased HbF (3%), supporting a β-thalassemia trait. The mutation is pathogenic due to its frameshift effect, which alters downstream amino acids and may introduce a premature stop codon (β⁺ or β⁰ phenotype). Genetic counseling is advised for family screening and reproductive risk assessment.

NM_000518.5(HBB):c.155_167del (p.Pro52fs)

Genes: HBB (hemoglobin subunit beta; minus strand), LOC106099062 (HBB recombination region; plus strand), LOC107133510 (origin of replication at HBB; plus strand). Cytogenetic location: 11p15.4.
Variant type: Deletion.
Coding change: c.155_167del on transcript NM_000518.5 (MANE Select); coding-DNA positions 155 to 167, 13 bases deleted (CTGATGCTGTTAT).
Protein change: p.Pro52fs; shifts the reading frame from proline 52.
Molecular consequence: frameshift variant.
Genome position (GRCh38, 1-based): chr11:5,226,725-5,226,737, ATAACAGCATCAG deleted on the plus strand (CTGATGCTGTTAT on the coding strand, the reverse complement: HBB is on the minus strand). VCF-style (leftmost placement, unchanged base first): chr11-5226724-CATAACAGCATCAG-C. GRCh37 (hg19) VCF-style: chr11-5247954-CATAACAGCATCAG-C.
Other names: c.155_167delCTGATGCTGTTAT (NM_000518.5); short protein forms P52fs.
Identifiers: ClinVar variation 4074263 (VCV004074263.2), dbSNP rs613985.